The following is an entry in ClinVar:

NC_000019.9:g.(?_13318860)_(13363935_?)dup

Gene: CACNA1A (calcium voltage-gated channel subunit alpha1 A; minus strand). Cytogenetic location: 19p13.2.
Variant type: Duplication.
Identifiers: ClinVar variation 2423758 (VCV002423758.6).

ClinVar aggregate classification (germline): Uncertain significance (1 of 4 stars; one submission).

Conditions:
Episodic ataxia type 2 (EA2). Also called: ATAXIA, EPISODIC, WITH NYSTAGMUS; ATAXIA, FAMILIAL PAROXYSMAL; CEREBELLAR ATAXIA, PAROXYSMAL, ACETAZOLAMIDE-RESPONSIVE; CEREBELLOPATHY, HEREDITARY PAROXYSMAL; EPISODIC ATAXIA, NYSTAGMUS-ASSOCIATED; ACETAZOLAMIDE-RESPONSIVE HEREDITARY PAROXYSMAL CEREBELLAR ATAXIA. Identifiers: Orphanet 97, MedGen C1720416, MONDO:0007163, OMIM 108500.
Developmental and epileptic encephalopathy, 42 (DEE42A). Also called: DEVELOPMENTAL AND EPILEPTIC ENCEPHALOPATHY 42A; EPILEPTIC ENCEPHALOPATHY, EARLY INFANTILE, 42A; Epileptic encephalopathy, early infantile, 42. Identifiers: MedGen C4310716, MONDO:0014917, OMIM 617106.

Submission:

Labcorp Genetics (formerly Invitae), Labcorp
Classification: Uncertain significance for Developmental and epileptic encephalopathy, 42; Episodic ataxia type 2. Last evaluated: 2023-09-04. Review status: criteria provided, single submitter. Criteria: Invitae Variant Classification Sherloc (09022015). Collection method: clinical testing. Allele origin: germline.
Comment: This variant results in a copy number gain of the genomic region encompassing exon(s) 30-47 of the CACNA1A gene. This region includes the termination codon of the gene. This copy number gain extends beyond the assayed region for this gene and therefore may encompass additional genes. As the precise location of this event is unknown, it may be in tandem or it may be located elsewhere in the genome. This variant has not been reported in the literature in individuals affected with CACNA1A-related conditions. In summary, the available evidence is currently insufficient to determine the role of this variant in disease. Therefore, it has been classified as a Variant of Uncertain Significance.